The following is an entry in ClinVar:

ClinVar aggregate classification (germline): Likely pathogenic (1 of 4 stars; one submission).

Conditions:
Leber congenital amaurosis 8 (LCA8). Identifiers: Orphanet 65, MedGen C3151202, MONDO:0013453, OMIM 613835.
Retinitis pigmentosa 12 (RP12). Also called: RP WITH OR WITHOUT PPRPE; RP WITH OR WITHOUT PRESERVED PARAARTERIOLE RETINAL PIGMENT EPITHELIUM; RETINITIS PIGMENTOSA WITH OR WITHOUT PARAARTERIOLAR PRESERVATION OF RETINAL PIGMENT EPITHELIUM. Identifiers: Orphanet 791, MedGen C1838647, MONDO:0010818, OMIM 600105.

Allele frequency attached by ClinVar (database versions not stated): gnomAD exomes below 0.00001; ExAC 0.00001; gnomAD 0.00001.
gnomAD v4.1: 2 of 1,613,388 alleles (0.00012%); highest among the groups gnomAD compares: African/African-American, 0.0027%; no homozygotes.

Submission:

Labcorp Genetics (formerly Invitae), Labcorp
Classification: Likely pathogenic for Leber congenital amaurosis 8; Retinitis pigmentosa 12. Last evaluated: 2022-07-05. Review status: criteria provided, single submitter. Criteria: Invitae Variant Classification Sherloc (09022015). Collection method: clinical testing. Allele origin: germline.
Comment: In summary, the currently available evidence indicates that the variant is pathogenic, but additional data are needed to prove that conclusively. Therefore, this variant has been classified as Likely Pathogenic. Advanced modeling of protein sequence and biophysical properties (such as structural, functional, and spatial information, amino acid conservation, physicochemical variation, residue mobility, and thermodynamic stability) performed at Invitae indicates that this missense variant is expected to disrupt CRB1 protein function. ClinVar contains an entry for this variant (Variation ID: 1504311). This missense change has been observed in individual(s) with retinitis pigmentosa (Invitae). In at least one individual the data is consistent with being in trans (on the opposite chromosome) from a pathogenic variant. This variant is present in population databases (rs766989894, gnomAD 0.007%). This sequence change replaces aspartic acid, which is acidic and polar, with valine, which is neutral and non-polar, at codon 720 of the CRB1 protein (p.Asp720Val).

NM_201253.3(CRB1):c.2159A>T (p.Asp720Val)

Gene: CRB1 (crumbs cell polarity complex component 1; plus strand). Cytogenetic location: 1q31.3.
Variant type: single nucleotide variant.
Coding change: c.2159A>T on transcript NM_201253.3 (MANE Select); coding-DNA position 2159, A replaced by T.
Protein change: p.Asp720Val; replaces aspartic acid 720 with valine.
Molecular consequence: missense variant. On other transcripts: non-coding transcript variant (2), intron variant (1).
Genome position (GRCh38, 1-based): chr1:197,427,484, A>T. VCF-style: chr1-197427484-A-T. GRCh37 (hg19) VCF-style: chr1-197396614-A-T.
Other names: c.1823A>T, p.Asp608Val (NM_001193640.2); c.1952A>T, p.Asp651Val (NM_001257965.2); c.2128+5528A>T (NM_001257966.2); short protein forms D651V, D608V, D720V.
Identifiers: ClinVar variation 1504311 (VCV001504311.8), dbSNP rs766989894, ClinGen allele CA1312062.
Genomic context (GRCh38, chr1:197,427,484, plus strand): 5'-TTCTCCTCCTCCTCTATTTTGACATTGAAGAGTATGTGGCAGGCAGATTTGGCCAGGATG[A>T]CTCCACTGGTTATGTCATCTTTACTCTTGATGAGAGCTATGGAGACACCATCAGCCTCTC-3'
Protein context (NP_957705.1, residues 710-730): EYVAGRFGQD[Asp720Val]STGYVIFTLD